The following is an entry in ClinVar:

NM_017866.6(TMEM70):c.117_118dup (p.Ser40fs)

Gene: TMEM70 (transmembrane protein 70; plus strand). Cytogenetic location: 8q21.11.
Variant type: Duplication.
Coding change: c.117_118dup on transcript NM_017866.6 (MANE Select); coding-DNA positions 117 to 118, 2 bases duplicated (GT; older notation c.117_118dupGT).
Protein change: p.Ser40fs; shifts the reading frame from serine 40.
Molecular consequence: frameshift variant. On other transcripts: non-coding transcript variant (1).
Genome position (GRCh38, 1-based): chr8:73,976,398-73,976,399, GT duplicated. VCF-style (leftmost placement, unchanged base first): chr8-73976397-C-CGT. GRCh37 (hg19) VCF-style: chr8-74888632-C-CGT.
Other names: c.117_118dup, p.Ser40fs (NM_001040613.3); short protein forms S40fs.
Identifiers: ClinVar variation 203989 (VCV000203989.21), dbSNP rs796052056, ClinGen allele CA313089.

ClinVar aggregate classification (germline): Pathogenic/Likely pathogenic. Review status: criteria provided, multiple submitters, no conflicts (2 of 4 stars). 8 submissions from 8 submitters: Pathogenic (6); Likely pathogenic (1). 1 of the submissions does not count toward it. Last evaluated 2024-10-30.

Conditions:
TMEM70-related disorder. Also called: TMEM70-related condition.
Mitochondrial proton-transporting ATP synthase complex deficiency. Also called: Mitochondrial Complex V (ATP Synthase) Deficiency, Nuclear Type; Isolated ATP synthase deficiency. Identifiers: Orphanet 254913, MedGen C4757950, MONDO:0014471.
Mitochondrial complex V (ATP synthase) deficiency, nuclear type 2. Also called: ENCEPHALOCARDIOMYOPATHY, MITOCHONDRIAL, NEONATAL, DUE TO ATP SYNTHASE DEFICIENCY; Nuclear-Encoded ATPase Deficiency, TMEM70-Related; MITOCHONDRIAL COMPLEX V (ATP SYNTHASE) DEFICIENCY, TMEM70 TYPE. Identifiers: Orphanet 1194, MedGen C3279699, MONDO:0013546, OMIM 614052.

Allele frequency attached by ClinVar (database versions not stated): gnomAD exomes below 0.00001 and 0.00001; TOPMed 0.00002; ExAC 0.00003; gnomAD 0.00003.

Submissions (8):

Labcorp Genetics (formerly Invitae), Labcorp
Classification: Pathogenic for Mitochondrial complex V (ATP synthase) deficiency, nuclear type 2. Last evaluated: 2024-10-30. Review status: criteria provided, single submitter. Criteria: Invitae Variant Classification Sherloc (09022015). Collection method: clinical testing. Allele origin: germline.
Comment: This sequence change creates a premature translational stop signal (p.Ser40Cysfs*11) in the TMEM70 gene. It is expected to result in an absent or disrupted protein product. Loss-of-function variants in TMEM70 are known to be pathogenic (PMID: 18953340, 21147908). This variant is present in population databases (rs765909414, gnomAD 0.003%). This premature translational stop signal has been observed in individual(s) with TMEM70-related conditions (PMID: 18953340). ClinVar contains an entry for this variant (Variation ID: 203989). For these reasons, this variant has been classified as Pathogenic.

Blueprint Genetics
Classification: Likely pathogenic for TMEM70-related disorders. Last evaluated: 2024-10-18. Review status: criteria provided, single submitter. Criteria: ACMG Guidelines, 2015. Collection method: clinical testing. Allele origin: germline. Affected: yes. Observed: 4 variant alleles.

Women's Health and Genetics/Laboratory Corporation of America, LabCorp
Classification: Pathogenic for Mitochondrial complex V (ATP synthase) deficiency, nuclear type 2. Last evaluated: 2023-01-20. Review status: criteria provided, single submitter. Criteria: LabCorp Variant Classification Summary - May 2015. Collection method: clinical testing. Allele origin: germline.
Comment: Variant summary: TMEM70 c.117_118dupGT (p.Ser40CysfsX11) results in a premature termination codon, predicted to cause a truncation of the encoded protein or absence of the protein due to nonsense mediated decay, which are commonly known mechanisms for disease. Truncations downstream of this position have been associated with ATP synthase deficiency in HGMD. The variant allele was found at a frequency of 4.8e-06 in 207742 control chromosomes. c.117_118dupGT has been reported in the literature in individuals affected with Complex V Deficiency, Nuclear Type 2 (Cizkov_2008, Cameron_2011, etc). At least one publication reports reduction in ATP synthase activity in fibroblasts from a patient who was compound heterozygous for the variant and another known loss-of-function variant (Cameron_2011). Four clinical diagnostic laboratories have submitted clinical-significance assessments for this variant to ClinVar after 2014 without evidence for independent evaluation. All laboratories classified the variant as pathogenic. Based on the evidence outlined above, the variant was classified as pathogenic.

Centre for Mendelian Genomics, University Medical Centre Ljubljana
Classification: Pathogenic for Mitochondrial complex V (ATP synthase) deficiency, nuclear type 2. Last evaluated: 2020-03-09. Review status: criteria provided, single submitter. Criteria: ACMG Guidelines, 2015. Collection method: clinical testing. Allele origin: unknown. Affected: yes.
Comment: This variant was classified as: Pathogenic. The following ACMG criteria were applied in classifying this variant: PVS1,PS1_MOD,PM2.

Laboratory for Molecular Medicine, Mass General Brigham Personalized Medicine
Classification: Pathogenic for Isolated ATP synthase deficiency. Last evaluated: 2018-08-10. Review status: criteria provided, single submitter. Criteria: LMM Criteria. Collection method: clinical testing. Allele origin: germline. Inheritance: Autosomal recessive inheritance. Observed: 1 variant allele.
Comment: The p.Ser40CysfsX11 variant in TMEM70 has been previously reported in at least 3 compound heterozygous individuals with ATP synthase deficiency, all of which al so carried the pathogenic c.317-2A>G variant (Cizkova 2008, Cameron 2011, Magner 2015). This variant has also been reported in ClinVar (Variation ID 203989) and has been identified in 3/107484 European chromosomes by the Genome Aggregation Database (gnomAD). Functional studies provide some evidence that the p.Ser40CysfsX11 variant may impact protein function, by c ausing a reduction in ATP synthase activity (Cameron 2011). This variant is pred icted to cause a frameshift, which alters the protein?s amino acid sequence begi nning at position 40 and leads to a premature termination codon 11 amino acids d ownstream. This alteration is then predicted to lead to a truncated or absent pr otein. Biallelic loss of function of the TMEM70 gene has been associated with AT P synthase deficiency and related features, though this variant may be associate d with a milder phenotype after the neonate period (Honzik 2010, Magner 2015). I n summary, this variant meets criteria to be classified as pathogenic for isolat ed ATP synthase deficiency in an autosomal recessive manner. ACMG/AMP criteria a pplied: PVS1_Strong, PM3_Strong, PM2.

Geisinger Autism and Developmental Medicine Institute, Geisinger Health System
Classification: Pathogenic for Mitochondrial complex V (ATP synthase) deficiency, nuclear type 2. Last evaluated: 2017-03-23. Review status: criteria provided, single submitter. Criteria: ACMG Guidelines, 2015. Collection method: provider interpretation, clinical testing. Allele origin: paternal. Affected: no. Observed: 1 variant allele.
Comment: The p.Ser40CysfsX11 variant has been reported previously in the compound heterozygous state in an affected individual. The p.Ser40CysfsX11 variant is predicted to cause loss of normal protein function either through protein truncation or nonsense-mediated mRNA decay.

GeneDx
Classification: Pathogenic. Last evaluated: 2017-03-20. Review status: criteria provided, single submitter. Criteria: GeneDx Variant Classification (06012015). Collection method: clinical testing. Allele origin: germline. Affected: yes.
Comment: The c.117_118dupGT pathogenic variant in the TMEM70 gene has been reported previously in association with mitochondrial complex V deficiency an individual with psychomotor retardation, hypertrophic cardiomyopathy, lactic acidosis, methylglutaconic aciduria, and isolated deficiency of ATP synthase complex who was heterozygous for the c.117_118dupGT pathogenic variant and another pathogenic variant (CÃ­zkovÃ¡ et al., 2008). The c.117_118dupGT variant causes a frameshift starting with codon Serine 40, changes this amino acid to a Cysteine residue, and creates a premature Stop codon at position 11 of the new reading frame, denoted p.Ser40CysfsX11. This variant is predicted to cause loss of normal protein function either through protein truncation or nonsense-mediated mRNA decay. The c.117_118dupGT variant was not observed in approximately 6,400 individuals of European and African American ancestry in the NHLBI Exome Sequencing Project, indicating it is not a common benign variant in these populations. We interpret c.117_118dupGT as a pathogenic variant.

OMIM
Classification: Pathogenic for MITOCHONDRIAL COMPLEX V (ATP SYNTHASE) DEFICIENCY, NUCLEAR TYPE 2. Last evaluated: 2008-11-01. Review status: no assertion criteria provided. Collection method: literature only. Allele origin: germline. Not counted in ClinVar's aggregate classification.

Literature cited by the submitters: PubMed 18953340 (cited by 5 submitters); PubMed 21147908 (cited by Labcorp Genetics (formerly Invitae), Labcorp and Geisinger Autism and Developmental Medicine Institute, Geisinger Health System); PubMed 20920610 (cited by Women's Health and Genetics/Laboratory Corporation of America, LabCorp and Laboratory for Molecular Medicine, Mass General Brigham Personalized Medicine); PubMed 20335238 (cited by Women's Health and Genetics/Laboratory Corporation of America, LabCorp and Laboratory for Molecular Medicine, Mass General Brigham Personalized Medicine); PubMed 25326274 (cited by Women's Health and Genetics/Laboratory Corporation of America, LabCorp and Laboratory for Molecular Medicine, Mass General Brigham Personalized Medicine); PubMed 24485043 (cited by Geisinger Autism and Developmental Medicine Institute, Geisinger Health System).